The following is an entry in ClinVar:

ClinVar aggregate classification (germline): Uncertain significance (1 of 4 stars; one submission).

gnomAD v4.1: 1 of 1,584,138 alleles (0.000063%); highest among the groups gnomAD compares: South Asian, 0.0012%; no homozygotes.

Submission:

GeneDx
Classification: Uncertain significance. Last evaluated: 2023-08-07. Review status: criteria provided, single submitter. Criteria: GeneDx Variant Classification Process June 2021. Collection method: clinical testing. Allele origin: germline. Affected: yes.
Comment: Not observed at significant frequency in large population cohorts (gnomAD); In silico analysis supports that this missense variant has a deleterious effect on protein structure/function; Has not been previously published as pathogenic or benign to our knowledge

NM_001029883.3(PCARE):c.3088C>A (p.Pro1030Thr)

Gene: PCARE (photoreceptor cilium actin regulator; minus strand). Cytogenetic location: 2p23.2.
Variant type: single nucleotide variant.
Coding change: c.3088C>A on transcript NM_001029883.3 (MANE Select); coding-DNA position 3088, C replaced by A.
Protein change: p.Pro1030Thr; replaces proline 1030 with threonine.
Molecular consequence: missense variant.
Genome position (GRCh38, 1-based): chr2:29,071,174, G>T on the plus strand (C>A on the coding strand, the complement: PCARE is on the minus strand). VCF-style: chr2-29071174-G-T. GRCh37 (hg19) VCF-style: chr2-29294040-G-T.
Other names: short protein forms P1030T.
Identifiers: ClinVar variation 3361842 (VCV003361842.1).